The following is an entry in ClinVar:

NM_206933.4(USH2A):c.12088C>T (p.Leu4030=)

Gene: USH2A (usherin; minus strand). Cytogenetic location: 1q41.
Variant type: single nucleotide variant.
Coding change: c.12088C>T on transcript NM_206933.4 (MANE Select); coding-DNA position 12088, C replaced by T.
Protein change: p.Leu4030=; no amino-acid change (leucine 4030 retained).
Molecular consequence: synonymous variant.
Genome position (GRCh38, 1-based): chr1:215,680,355, G>A on the plus strand (C>T on the coding strand, the complement: USH2A is on the minus strand). VCF-style: chr1-215680355-G-A. GRCh37 (hg19) VCF-style: chr1-215853697-G-A.
Identifiers: ClinVar variation 178572 (VCV000178572.25), dbSNP rs141528682, ClinGen allele CA182584.

ClinVar aggregate classification (germline): Benign/Likely benign. Review status: criteria provided, multiple submitters, no conflicts (2 of 4 stars). 7 submissions from 6 submitters: Benign (3); Likely benign (4). Last evaluated 2026-01-13.

Conditions:
Retinitis pigmentosa 39 (RP39). Identifiers: Orphanet 791, MedGen C3151138, MONDO:0013436, OMIM 613809.
Usher syndrome type 2A. Also called: USHER SYNDROME, TYPE IIA; RETINAL DISEASE IN USHER SYNDROME TYPE IIA, MODIFIER OF. Identifiers: Orphanet 231178, Orphanet 886, MedGen C1848634, MONDO:0010169, OMIM 276901.

Allele frequency attached by ClinVar (database versions not stated): gnomAD 0.00010; 1000 Genomes Project 30x 0.00016; 1000 Genomes Project 0.00020; TOPMed 0.00022; ESP Exome Variant Server 0.00046.
gnomAD v4.1: 331 of 1,613,904 alleles (0.021%); highest among the groups gnomAD compares: Middle Eastern, 0.2%; 1 homozygote.

Submissions (7):

Labcorp Genetics (formerly Invitae), Labcorp
Classification: Benign. Last evaluated: 2026-01-13. Review status: criteria provided, single submitter. Criteria: Invitae Variant Classification Sherloc (09022015). Collection method: clinical testing. Allele origin: germline.

CeGaT Center for Human Genetics Tuebingen
Classification: Likely benign. Last evaluated: 2025-04-01. Review status: criteria provided, single submitter. Criteria: CeGaT Center For Human Genetics Tuebingen Variant Classification Criteria Version 2. Collection method: clinical testing. Allele origin: germline. Affected: yes. Observed: 1 variant allele.
Comment: USH2A: BP4, BP7

Blueprint Genetics
Classification: Likely benign. Last evaluated: 2024-04-19. Review status: criteria provided, single submitter. Criteria: ACMG Guidelines, 2015. Collection method: clinical testing. Allele origin: germline.

Genome-Nilou Lab
Classification: Benign for Retinitis pigmentosa 39. Last evaluated: 2023-11-04. Review status: criteria provided, single submitter. Criteria: ACMG Guidelines, 2015. Collection method: clinical testing. Allele origin: germline. Affected: no.

Genome-Nilou Lab
Classification: Benign for Usher syndrome type 2A. Last evaluated: 2023-11-04. Review status: criteria provided, single submitter. Criteria: ACMG Guidelines, 2015. Collection method: clinical testing. Allele origin: germline. Affected: no.

GeneDx
Classification: Likely benign. Last evaluated: 2020-07-20. Review status: criteria provided, single submitter. Criteria: GeneDx Variant Classification Process June 2021. Collection method: clinical testing. Allele origin: germline. Affected: yes.

Laboratory for Molecular Medicine, Mass General Brigham Personalized Medicine
Classification: Likely benign. Last evaluated: 2015-12-17. Review status: criteria provided, single submitter. Criteria: LMM Criteria. Collection method: clinical testing. Allele origin: germline. Observed: 2 variant alleles.
Comment: p.Leu4030Leu in Exon 62 of USH2A: This variant is not expected to have clinical significance because it does not alter an amino acid residue, and it is not loca ted within the splice consensus sequence. It has been identified in 26/66698 Eu ropean chromosomes by the Exome Aggregation Consortium (ExAC; dbSNP rs141528682).